The following is an entry in ClinVar:

NM_018249.6(CDK5RAP2):c.1421A>G (p.Asn474Ser)

Gene: CDK5RAP2 (CDK5 regulatory subunit associated protein 2; minus strand). Cytogenetic location: 9q33.2.
Variant type: single nucleotide variant.
Coding change: c.1421A>G on transcript NM_018249.6 (MANE Select); coding-DNA position 1421, A replaced by G.
Protein change: p.Asn474Ser; replaces asparagine 474 with serine.
Molecular consequence: missense variant. On other transcripts: non-coding transcript variant (5).
Genome position (GRCh38, 1-based): chr9:120,491,368, T>C on the plus strand (A>G on the coding strand, the complement: CDK5RAP2 is on the minus strand). VCF-style: chr9-120491368-T-C. GRCh37 (hg19) VCF-style: chr9-123253646-T-C.
Other names: c.1421A>G, p.Asn474Ser (NM_001011649.3, NM_001272039.2, NM_001410992.1 and 2 more transcripts); short protein forms N474S.
Identifiers: ClinVar variation 1921032 (VCV001921032.5), dbSNP rs765403107, ClinGen allele CA5214397.

ClinVar aggregate classification (germline): Uncertain significance (1 of 4 stars; one submission).

Allele frequency attached by ClinVar (database versions not stated): gnomAD exomes 0.00001; ExAC 0.00002; gnomAD 0.00003; TOPMed 0.00003.
gnomAD v4.1: 26 of 1,613,322 alleles (0.0016%); highest among the groups gnomAD compares: African/African-American, 0.0013%; no homozygotes.

Submission:

Labcorp Genetics (formerly Invitae), Labcorp
Classification: Uncertain significance. Last evaluated: 2022-07-17. Review status: criteria provided, single submitter. Criteria: Invitae Variant Classification Sherloc (09022015). Collection method: clinical testing. Allele origin: germline.
Comment: This sequence change replaces asparagine, which is neutral and polar, with serine, which is neutral and polar, at codon 474 of the CDK5RAP2 protein (p.Asn474Ser). This variant is present in population databases (rs765403107, gnomAD 0.08%). This variant has not been reported in the literature in individuals affected with CDK5RAP2-related conditions. Algorithms developed to predict the effect of missense changes on protein structure and function output the following: SIFT: "Tolerated"; PolyPhen-2: "Benign"; Align-GVGD: "Class C0". The serine amino acid residue is found in multiple mammalian species, which suggests that this missense change does not adversely affect protein function. In summary, the available evidence is currently insufficient to determine the role of this variant in disease. Therefore, it has been classified as a Variant of Uncertain Significance.